The following is an entry in ClinVar:

NM_004525.3(LRP2):c.9401A>G (p.Tyr3134Cys)

Gene: LRP2 (LDL receptor related protein 2; minus strand). Cytogenetic location: 2q31.1.
Variant type: single nucleotide variant.
Coding change: c.9401A>G on transcript NM_004525.3 (MANE Select); coding-DNA position 9401, A replaced by G.
Protein change: p.Tyr3134Cys; replaces tyrosine 3134 with cysteine.
Molecular consequence: missense variant.
Genome position (GRCh38, 1-based): chr2:169,185,947, T>C on the plus strand (A>G on the coding strand, the complement: LRP2 is on the minus strand). VCF-style: chr2-169185947-T-C. GRCh37 (hg19) VCF-style: chr2-170042457-T-C.
Other names: short protein forms Y3134C.
Identifiers: ClinVar variation 1348077 (VCV001348077.5), dbSNP rs139094685, ClinGen allele CA1953580.

ClinVar aggregate classification (germline): Uncertain significance (1 of 4 stars; one submission).

Allele frequency attached by ClinVar (database versions not stated): gnomAD exomes below 0.00001; ExAC 0.00001; TOPMed 0.00002; ESP Exome Variant Server 0.00008.
gnomAD v4.1: 2 of 1,613,936 alleles (0.00012%); highest among the groups gnomAD compares: Non-Finnish European, 0.00017%; no homozygotes.

Submission:

Labcorp Genetics (formerly Invitae), Labcorp
Classification: Uncertain significance. Last evaluated: 2022-10-13. Review status: criteria provided, single submitter. Criteria: Invitae Variant Classification Sherloc (09022015). Collection method: clinical testing. Allele origin: germline.
Comment: This sequence change replaces tyrosine, which is neutral and polar, with cysteine, which is neutral and slightly polar, at codon 3134 of the LRP2 protein (p.Tyr3134Cys). This variant is present in population databases (rs139094685, gnomAD 0.0009%). This variant has not been reported in the literature in individuals affected with LRP2-related conditions. ClinVar contains an entry for this variant (Variation ID: 1348077). Advanced modeling of protein sequence and biophysical properties (such as structural, functional, and spatial information, amino acid conservation, physicochemical variation, residue mobility, and thermodynamic stability) performed at Invitae indicates that this missense variant is expected to disrupt LRP2 protein function. In summary, the available evidence is currently insufficient to determine the role of this variant in disease. Therefore, it has been classified as a Variant of Uncertain Significance.